The following is an entry in ClinVar:

NM_000760.4(CSF3R):c.1672C>T (p.Pro558Ser)

Gene: CSF3R (colony stimulating factor 3 receptor; minus strand). Cytogenetic location: 1p34.3.
Variant type: single nucleotide variant.
Coding change: c.1672C>T on transcript NM_000760.4 (MANE Select); coding-DNA position 1672, C replaced by T.
Protein change: p.Pro558Ser; replaces proline 558 with serine.
Molecular consequence: missense variant.
Genome position (GRCh38, 1-based): chr1:36,468,126, G>A on the plus strand (C>T on the coding strand, the complement: CSF3R is on the minus strand). VCF-style: chr1-36468126-G-A. GRCh37 (hg19) VCF-style: chr1-36933727-G-A.
Other names: c.1672C>T, p.Pro558Ser (NM_156039.3, NM_172313.3); short protein forms P558S.
Identifiers: ClinVar variation 1954658 (VCV001954658.5), dbSNP rs2521740293, ClinGen allele CA339418223.

ClinVar aggregate classification (germline): Uncertain significance (1 of 4 stars; one submission).

Conditions:
Autosomal recessive severe congenital neutropenia due to CSF3R deficiency. Also called: Neutropenia, severe congenital, 7, autosomal recessive. Identifiers: Orphanet 420702, MedGen C4310764, MONDO:0014865, OMIM 617014.

Allele frequency attached by ClinVar (database versions not stated): gnomAD exomes below 0.00001.
gnomAD v4.1: 1 of 1,614,172 alleles (0.000062%); highest among the groups gnomAD compares: Non-Finnish European, 0.000085%; no homozygotes.

Submission:

Labcorp Genetics (formerly Invitae), Labcorp
Classification: Uncertain significance for Autosomal recessive severe congenital neutropenia due to CSF3R deficiency. Last evaluated: 2022-02-16. Review status: criteria provided, single submitter. Criteria: Invitae Variant Classification Sherloc (09022015). Collection method: clinical testing. Allele origin: germline.
Comment: In summary, the available evidence is currently insufficient to determine the role of this variant in disease. Therefore, it has been classified as a Variant of Uncertain Significance. Algorithms developed to predict the effect of missense changes on protein structure and function output the following: SIFT: "Tolerated"; PolyPhen-2: "Benign"; Align-GVGD: "Class C0". The serine amino acid residue is found in multiple mammalian species, which suggests that this missense change does not adversely affect protein function. This variant has not been reported in the literature in individuals affected with CSF3R-related conditions. This variant is not present in population databases (gnomAD no frequency). This sequence change replaces proline, which is neutral and non-polar, with serine, which is neutral and polar, at codon 558 of the CSF3R protein (p.Pro558Ser).